The following is an entry in ClinVar:

ClinVar aggregate classification (germline): Uncertain significance (1 of 4 stars; one submission).

gnomAD v4.1: 62 of 1,523,168 alleles (0.0041%); highest among the groups gnomAD compares: Non-Finnish European, 0.0053%; 8 homozygotes.

Submission:

Women's Health and Genetics/Laboratory Corporation of America, LabCorp
Classification: Uncertain significance. Last evaluated: 2025-05-28. Review status: criteria provided, single submitter. Criteria: LabCorp Variant Classification Summary - May 2015. Collection method: clinical testing. Allele origin: germline.
Comment: Variant summary: CFHR1 c.790+4A>G alters a nucleotide located close to a canonical splice site and therefore could affect mRNA splicing, leading to a significantly altered protein sequence. Several computational tools predict a significant impact on normal splicing: Three predict the variant weakens a 5' donor site. One predicts the variant abolishes a 5' splicing donor site. Three predict the variant creates a 5' donor site. However, these predictions have yet to be confirmed by functional studies. The variant allele was found at a frequency of 4.1e-05 in 1523168 control chromosomes, predominantly at a frequency of 5.3e-05 within the African or African-American subpopulation in the gnomAD database, including 8 homozygotes. This frequency is not significantly higher than estimated for a pathogenic variant in CFHR1 causing Genetic Atypical Hemolytic Uremic Syndrome (4.1e-05 vs 0.00016), allowing no conclusion about variant significance. To our knowledge, no occurrence of c.790+4A>G in individuals affected with Genetic Atypical Hemolytic Uremic Syndrome and no experimental evidence demonstrating its impact on protein function have been reported. No submitters have cited clinical-significance assessments for this variant to ClinVar. Based on the evidence outlined above, the variant was classified as uncertain significance.

NM_002113.3(CFHR1):c.790+4A>G

Gene: CFHR1 (complement factor H related 1; plus strand). Cytogenetic location: 1q31.3.
Variant type: single nucleotide variant.
Coding change: c.790+4A>G on transcript NM_002113.3 (MANE Select); 4 bases into the intron after coding-DNA position 790, A replaced by G.
Molecular consequence: intron variant.
Genome position (GRCh38, 1-based): chr1:196,830,686, A>G. VCF-style: chr1-196830686-A-G. GRCh37 (hg19) VCF-style: chr1-196799816-A-G.
Other names: c.586+4A>G (NM_001379311.1); c.739+4A>G (NM_001379306.1); c.628+4A>G (NM_001379307.1); c.625+4A>G (NM_001379308.1); c.622+4A>G (NM_001379309.1); c.595+4A>G (NM_001379310.1); c.547+4A>G (NM_001379312.1).
Identifiers: ClinVar variation 3902570 (VCV003902570.1).